The following is an entry in ClinVar:

NM_004859.4(CLTC):c.62A>G (p.Asn21Ser)

Gene: CLTC (clathrin heavy chain; plus strand). Cytogenetic location: 17q23.1.
Variant type: single nucleotide variant.
Coding change: c.62A>G on transcript NM_004859.4 (MANE Select); coding-DNA position 62, A replaced by G.
Protein change: p.Asn21Ser; replaces asparagine 21 with serine.
Molecular consequence: missense variant.
Genome position (GRCh38, 1-based): chr17:59,644,295, A>G. VCF-style: chr17-59644295-A-G. GRCh37 (hg19) VCF-style: chr17-57721656-A-G.
Other names: c.62A>G, p.Asn21Ser (NM_001288653.2); short protein forms N21S.
Identifiers: ClinVar variation 1969841 (VCV001969841.5), dbSNP rs1023884085, ClinGen allele CA292132782.
Genomic context (GRCh38, chr17:59,644,295, plus strand): 5'-GGAATCCACTTGGTAACATGGTTTCTTATTATTTTTTCTAGCTCCAGAACCTGGGTATCA[A>G]CCCAGCAAACATTGGCTTCAGTACCCTGACTATGGAGTCTGACAAATTCATCTGCATTAG-3'
Protein context (NP_004850.1, residues 11-31): EHLQLQNLGI[Asn21Ser]PANIGFSTLT

ClinVar aggregate classification (germline): Uncertain significance (1 of 4 stars; one submission).

Allele frequency attached by ClinVar (database versions not stated): gnomAD exomes below 0.00001; TOPMed below 0.00001.

Submission:

Labcorp Genetics (formerly Invitae), Labcorp
Classification: Uncertain significance. Last evaluated: 2022-04-06. Review status: criteria provided, single submitter. Criteria: Invitae Variant Classification Sherloc (09022015). Collection method: clinical testing. Allele origin: germline.
Comment: In summary, the available evidence is currently insufficient to determine the role of this variant in disease. Therefore, it has been classified as a Variant of Uncertain Significance. Algorithms developed to predict the effect of missense changes on protein structure and function are either unavailable or do not agree on the potential impact of this missense change (SIFT: "Tolerated"; PolyPhen-2: "Not Available"; Align-GVGD: "Class C0"). This variant has not been reported in the literature in individuals affected with CLTC-related conditions. This variant is present in population databases (no rsID available, gnomAD 0.0009%). This sequence change replaces asparagine, which is neutral and polar, with serine, which is neutral and polar, at codon 21 of the CLTC protein (p.Asn21Ser).